The following is an entry in ClinVar:

NM_000051.4(ATM):c.7902_7909delinsA (p.Asp2634fs)

Genes: ATM (ATM serine/threonine kinase; plus strand), C11orf65 (chromosome 11 open reading frame 65; minus strand). Cytogenetic location: 11q22.3.
Variant type: Indel.
Coding change: c.7902_7909delinsA on transcript NM_000051.4 (MANE Select); coding-DNA positions 7902 to 7909, TGCCACTC replaced by A.
Protein change: p.Asp2634fs; shifts the reading frame from aspartic acid 2634.
Molecular consequence: frameshift variant. On other transcripts: intron variant (2).
Genome position (GRCh38, 1-based): chr11:108,332,875-108,332,882, TGCCACTC replaced by A. VCF-style: chr11-108332875-TGCCACTC-A. GRCh37 (hg19) VCF-style: chr11-108203602-TGCCACTC-A.
Other names: c.7902_7909delinsA, p.Asp2634fs (NM_001351834.2); c.641-23811_641-23804delinsT (NM_001330368.2); c.*38+2338_*38+2345delinsT (NM_001351110.2); short protein forms D2634fs.
Identifiers: ClinVar variation 4539307 (VCV004539307.1).

ClinVar aggregate classification (germline): Likely pathogenic (1 of 4 stars; one submission).

Submission:

Center for Genomic Medicine, Rigshospitalet, Copenhagen University Hospital
Classification: Likely pathogenic. Last evaluated: 2025-12-29. Review status: criteria provided, single submitter. Criteria: ACMG Guidelines, 2015. Collection method: clinical testing. Allele origin: germline.
Comment: Classification criteria: PVS1, PM2_supporting